The following is an entry in ClinVar:

NM_000313.4(PROS1):c.235G>T (p.Asp79Tyr)

Gene: PROS1 (protein S; minus strand). Cytogenetic location: 3q11.1.
Variant type: single nucleotide variant.
Coding change: c.235G>T on transcript NM_000313.4 (MANE Select); coding-DNA position 235, G replaced by T.
Protein change: p.Asp79Tyr; replaces aspartic acid 79 with tyrosine.
Molecular consequence: missense variant.
Genome position (GRCh38, 1-based): chr3:93,924,264, C>A on the plus strand (G>T on the coding strand, the complement: PROS1 is on the minus strand). VCF-style: chr3-93924264-C-A. GRCh37 (hg19) VCF-style: chr3-93643108-C-A.
Other names: c.331G>T, p.Asp111Tyr (NM_001314077.2); short protein forms D111Y, D79Y.
Identifiers: ClinVar variation 2734552 (VCV002734552.3), dbSNP rs776082764, ClinGen allele CA2503547.

ClinVar aggregate classification (germline): Uncertain significance (1 of 4 stars; one submission).

Conditions:
Thrombophilia due to protein S deficiency, autosomal recessive (THPH6). Identifiers: Orphanet 743, MedGen C3281092, MONDO:0013791, OMIM 614514. Disease mechanism: loss of function.

Allele frequency attached by ClinVar (database versions not stated): ExAC 0.00002.

Submission:

Labcorp Genetics (formerly Invitae), Labcorp
Classification: Uncertain significance for Thrombophilia due to protein S deficiency, autosomal recessive. Last evaluated: 2023-02-18. Review status: criteria provided, single submitter. Criteria: Invitae Variant Classification Sherloc (09022015). Collection method: clinical testing. Allele origin: germline.
Comment: In summary, the available evidence is currently insufficient to determine the role of this variant in disease. Therefore, it has been classified as a Variant of Uncertain Significance. Algorithms developed to predict the effect of sequence changes on RNA splicing suggest that this variant may disrupt the consensus splice site. Experimental studies have shown that this missense change affects PROS1 function (PMID: 20181378). An algorithm developed to predict the effect of missense changes on protein structure and function (PolyPhen-2) suggests that this variant is likely to be disruptive. This variant is also known as D38Y. This missense change has been observed in individual(s) with clinical features of protein S deficiency (PMID: 20181378, 21811774, 22290026). The frequency data for this variant in the population databases is considered unreliable, as metrics indicate poor data quality at this position in the gnomAD database. This sequence change replaces aspartic acid, which is acidic and polar, with tyrosine, which is neutral and polar, at codon 79 of the PROS1 protein (p.Asp79Tyr).

Literature cited by the submitters: PubMed 20181378; PubMed 21811774; PubMed 22290026.